The following is an entry in ClinVar:

NM_017934.7(PHIP):c.1860G>C (p.Gln620His)

Gene: PHIP (pleckstrin homology domain interacting protein; minus strand). Cytogenetic location: 6q14.1.
Variant type: single nucleotide variant.
Coding change: c.1860G>C on transcript NM_017934.7 (MANE Select); coding-DNA position 1860, G replaced by C.
Protein change: p.Gln620His; replaces glutamine 620 with histidine.
Molecular consequence: missense variant.
Genome position (GRCh38, 1-based): chr6:79,001,918, C>G on the plus strand (G>C on the coding strand, the complement: PHIP is on the minus strand). VCF-style: chr6-79001918-C-G. GRCh37 (hg19) VCF-style: chr6-79711635-C-G.
Other names: short protein forms Q620H.
Identifiers: ClinVar variation 3364882 (VCV003364882.1).

ClinVar aggregate classification (germline): Uncertain significance (1 of 4 stars; one submission).

gnomAD v4.1: 1 of 1,610,622 alleles (0.000062%); highest among the groups gnomAD compares: African/African-American, 0.0013%; no homozygotes.

Submission:

GeneDx
Classification: Uncertain significance. Last evaluated: 2023-12-08. Review status: criteria provided, single submitter. Criteria: GeneDx Variant Classification Process June 2021. Collection method: clinical testing. Allele origin: germline. Affected: yes.
Comment: Not observed at significant frequency in large population cohorts (gnomAD); In silico analysis supports that this missense variant has a deleterious effect on protein structure/function; Has not been previously published as pathogenic or benign to our knowledge